The following is an entry in ClinVar:

ClinVar aggregate classification (germline): Likely benign (1 of 4 stars; one submission).

Conditions:
RNF213-related disorder. Also called: RNF213-related condition.

gnomAD v4.1: 29 of 1,614,072 alleles (0.0018%); highest among the groups gnomAD compares: African/African-American, 0.004%; no homozygotes.

Submission:

PreventionGenetics, part of Exact Sciences
Classification: Likely benign for RNF213-related condition. Last evaluated: 2025-09-05. Review status: criteria provided, single submitter. Criteria: ACMG Guidelines, 2015. Collection method: clinical testing. Allele origin: germline.
Comment: This variant is classified as likely benign based on ACMG/AMP sequence variant interpretation guidelines (Richards et al. 2015 PMID: 25741868, with internal and published modifications).

NM_001256071.3(RNF213):c.3024+27G>A

Gene: RNF213 (ring finger protein 213; plus strand). Cytogenetic location: 17q25.3.
Variant type: single nucleotide variant.
Coding change: c.3024+27G>A on transcript NM_001256071.3 (MANE Select); 27 bases into the intron after coding-DNA position 3024, G replaced by A.
Molecular consequence: intron variant. On other transcripts: synonymous variant (1).
Genome position (GRCh38, 1-based): chr17:80,319,339, G>A. VCF-style: chr17-80319339-G-A. GRCh37 (hg19) VCF-style: chr17-78293139-G-A.
Other names: c.3051G>A, p.Thr1017= (NM_020954.4); c.3171+27G>A (NM_020914.5, NM_001410195.1).
Identifiers: ClinVar variation 4978306 (VCV004978306.1).